The following is an entry in ClinVar:

NM_006440.5(TXNRD2):c.1054C>A (p.Pro352Thr)

Gene: TXNRD2 (thioredoxin reductase 2; minus strand). Cytogenetic location: 22q11.21.
Variant type: single nucleotide variant.
Coding change: c.1054C>A on transcript NM_006440.5 (MANE Select); coding-DNA position 1054, C replaced by A.
Protein change: p.Pro352Thr; replaces proline 352 with threonine.
Molecular consequence: missense variant. On other transcripts: non-coding transcript variant (1).
Genome position (GRCh38, 1-based): chr22:19,883,357, G>T on the plus strand (C>A on the coding strand, the complement: TXNRD2 is on the minus strand). VCF-style: chr22-19883357-G-T. GRCh37 (hg19) VCF-style: chr22-19870880-G-T.
Other names: c.1051C>A, p.Pro351Thr (NM_001352300.2); c.964C>A, p.Pro322Thr (NM_001352301.2); c.766C>A, p.Pro256Thr (NM_001352302.2); short protein forms P352T, P322T, P256T, P351T.
Identifiers: ClinVar variation 454279 (VCV000454279.12), dbSNP rs1388529732, ClinGen allele CA410682672.
Genomic context (GRCh38, chr22:19,883,357, plus strand): 5'-GGCCCTGGTCCCGGGACGCATGCCGTACCTCCACCACGTCACCAATGGCGTAGATGTGGG[G>T]CACAGAGGTGGCTTCCCGGGAGTCCACCAGGATCTTCTGAGTGTCGGGGCTAGTATCTAC-3'
Protein context (NP_006431.2, residues 342-362): LVDSREATSV[Pro352Thr]HIYAIGDVVE

ClinVar aggregate classification (germline): Uncertain significance. Review status: criteria provided, multiple submitters, no conflicts (2 of 4 stars). 3 submissions from 3 submitters: Uncertain significance (3). Last evaluated 2025-01-01.

Conditions:
Primary dilated cardiomyopathy (DCM). Also called: Dilated Cardiomyopathy. Identifiers: Orphanet 217604, MedGen C0007193, MeSH D002311, MONDO:0005021, HP:0001644. Inheritance: Various modes of inheritance.
Cardiovascular phenotype. Identifiers: MedGen CN230736.
TXNRD2-related disorder. Also called: TXNRD2-related condition.

Allele frequency attached by ClinVar (database versions not stated): TOPMed 0.00004; gnomAD 0.00004 and 0.00003; gnomAD exomes below 0.00001.
gnomAD v4.1: 8 of 1,613,870 alleles (0.0005%); highest among the groups gnomAD compares: African/African-American, 0.011%; no homozygotes.

Submissions (3):

Labcorp Genetics (formerly Invitae), Labcorp
Classification: Uncertain significance for Primary dilated cardiomyopathy. Last evaluated: 2025-01-01. Review status: criteria provided, single submitter. Criteria: Invitae Variant Classification Sherloc (09022015). Collection method: clinical testing. Allele origin: germline.
Comment: This sequence change replaces proline, which is neutral and non-polar, with threonine, which is neutral and polar, at codon 352 of the TXNRD2 protein (p.Pro352Thr). This variant is present in population databases (no rsID available, gnomAD 0.008%). This missense change has been observed in individual(s) with dilated cardiomyopathy (PMID: 32257832). ClinVar contains an entry for this variant (Variation ID: 454279). Invitae Evidence Modeling of protein sequence and biophysical properties (such as structural, functional, and spatial information, amino acid conservation, physicochemical variation, residue mobility, and thermodynamic stability) indicates that this missense variant is not expected to disrupt TXNRD2 protein function with a negative predictive value of 80%. In summary, the available evidence is currently insufficient to determine the role of this variant in disease. Therefore, it has been classified as a Variant of Uncertain Significance.

PreventionGenetics, part of Exact Sciences
Classification: Uncertain significance for TXNRD2-related condition. Last evaluated: 2023-01-06. Review status: criteria provided, single submitter. Criteria: ACMG Guidelines, 2015. Collection method: clinical testing. Allele origin: germline.
Comment: The TXNRD2 c.1054C>A variant is predicted to result in the amino acid substitution p.Pro352Thr. This variant was reported in an individual with peripartum cardiomyopathy. This variant is reported in 0.0083% of alleles in individuals of African descent in gnomAD. At this time, the clinical significance of this variant is uncertain due to the absence of conclusive functional and genetic evidence.

Ambry Genetics
Classification: Uncertain significance for Cardiovascular phenotype. Last evaluated: 2021-05-12. Review status: criteria provided, single submitter. Criteria: Ambry Variant Classification Scheme 2023. Collection method: clinical testing. Allele origin: germline.
Comment: The p.P352T variant (also known as c.1054C>A), located in coding exon 12 of the TXNRD2 gene, results from a C to A substitution at nucleotide position 1054. The proline at codon 352 is replaced by threonine, an amino acid with highly similar properties. This amino acid position is highly conserved in available vertebrate species. In addition, the in silico prediction for this alteration is inconclusive. Since supporting evidence is limited at this time, the clinical significance of this alteration remains unclear.

Literature cited by the submitters: PubMed 32257832 (cited by Labcorp Genetics (formerly Invitae), Labcorp and Ambry Genetics).